The following is an entry in ClinVar:

NM_182493.3(MYLK3):c.1480C>T (p.Pro494Ser)

Gene: MYLK3 (myosin light chain kinase 3; minus strand). Cytogenetic location: 16q11.2.
Variant type: single nucleotide variant.
Coding change: c.1480C>T on transcript NM_182493.3 (MANE Select); coding-DNA position 1480, C replaced by T.
Protein change: p.Pro494Ser; replaces proline 494 with serine.
Molecular consequence: missense variant.
Genome position (GRCh38, 1-based): chr16:46,730,681, G>A on the plus strand (C>T on the coding strand, the complement: MYLK3 is on the minus strand). VCF-style: chr16-46730681-G-A. GRCh37 (hg19) VCF-style: chr16-46764593-G-A.
Other names: c.457C>T, p.Pro153Ser (NM_001308301.1); c.1480C>T (NM_182493.2); short protein forms P153S, P494S.
Identifiers: ClinVar variation 2070740 (VCV002070740.5), dbSNP rs533690935, ClinGen allele CA8037965.

ClinVar aggregate classification (germline): Uncertain significance. Review status: criteria provided, multiple submitters, no conflicts (2 of 4 stars). 2 submissions from 2 submitters: Uncertain significance (2). Last evaluated 2025-12-14.

Allele frequency attached by ClinVar (database versions not stated): ExAC 0.00001; gnomAD 0.00003; gnomAD exomes 0.00003; TOPMed 0.00003.
gnomAD v4.1: 52 of 1,613,848 alleles (0.0032%); highest among the groups gnomAD compares: Non-Finnish European, 0.0038%; no homozygotes.

Submissions (2):

Labcorp Genetics (formerly Invitae), Labcorp
Classification: Uncertain significance. Last evaluated: 2025-12-14. Review status: criteria provided, single submitter. Criteria: Invitae Variant Classification Sherloc (09022015). Collection method: clinical testing. Allele origin: germline.
Comment: This sequence change replaces proline, which is neutral and non-polar, with serine, which is neutral and polar, at codon 494 of the MYLK3 protein (p.Pro494Ser). This variant is present in population databases (rs533690935, gnomAD 0.003%). This variant has not been reported in the literature in individuals affected with MYLK3-related conditions. ClinVar contains an entry for this variant (Variation ID: 2070740). An algorithm developed to predict the effect of missense changes on protein structure and function (PolyPhen-2) suggests that this variant is likely to be disruptive. In summary, the available evidence is currently insufficient to determine the role of this variant in disease. Therefore, it has been classified as a Variant of Uncertain Significance.

Ambry Genetics
Classification: Uncertain significance. Last evaluated: 2025-05-13. Review status: criteria provided, single submitter. Criteria: Ambry Variant Classification Scheme 2023. Collection method: clinical testing. Allele origin: germline.